The following is an entry in ClinVar:

ClinVar aggregate classification (germline): Uncertain significance (1 of 4 stars; one submission).

Submission:

Labcorp Genetics (formerly Invitae), Labcorp
Classification: Uncertain significance. Last evaluated: 2022-06-23. Review status: criteria provided, single submitter. Criteria: Invitae Variant Classification Sherloc (09022015). Collection method: clinical testing. Allele origin: germline.
Comment: In summary, the available evidence is currently insufficient to determine the role of this variant in disease. Therefore, it has been classified as a Variant of Uncertain Significance. Algorithms developed to predict the effect of missense changes on protein structure and function are either unavailable or do not agree on the potential impact of this missense change (SIFT: "Deleterious"; PolyPhen-2: "Benign"; Align-GVGD: "Class C0"). This variant has not been reported in the literature in individuals affected with HIVEP2-related conditions. This variant is not present in population databases (gnomAD no frequency). This sequence change replaces valine, which is neutral and non-polar, with leucine, which is neutral and non-polar, at codon 582 of the HIVEP2 protein (p.Val582Leu).

NM_006734.4(HIVEP2):c.1744G>C (p.Val582Leu)

Gene: HIVEP2 (HIVEP zinc finger 2; minus strand). Cytogenetic location: 6q24.2.
Variant type: single nucleotide variant.
Coding change: c.1744G>C on transcript NM_006734.4 (MANE Select); coding-DNA position 1744, G replaced by C.
Protein change: p.Val582Leu; replaces valine 582 with leucine.
Molecular consequence: missense variant.
Genome position (GRCh38, 1-based): chr6:142,772,995, C>G on the plus strand (G>C on the coding strand, the complement: HIVEP2 is on the minus strand). VCF-style: chr6-142772995-C-G. GRCh37 (hg19) VCF-style: chr6-143094132-C-G.
Other names: short protein forms V582L.
Identifiers: ClinVar variation 2009897 (VCV002009897.4), dbSNP rs369603324, ClinGen allele CA365912449.